The following is an entry in ClinVar:

NM_001166108.2(PALLD):c.1659A>C (p.Glu553Asp)

Gene: PALLD (palladin, cytoskeletal associated protein; plus strand). Cytogenetic location: 4q32.3.
Variant type: single nucleotide variant.
Coding change: c.1659A>C on transcript NM_001166108.2 (MANE Select); coding-DNA position 1659, A replaced by C.
Protein change: p.Glu553Asp; replaces glutamic acid 553 with aspartic acid.
Molecular consequence: missense variant.
Genome position (GRCh38, 1-based): chr4:168,711,618, A>C. VCF-style: chr4-168711618-A-C. GRCh37 (hg19) VCF-style: chr4-169632769-A-C.
Other names: c.513A>C, p.Glu171Asp (NM_001166109.2); c.1659A>C, p.Glu553Asp (NM_016081.4); short protein forms E553D, E171D.
Identifiers: ClinVar variation 3413659 (VCV003413659.1).
Genomic context (GRCh38, chr4:168,711,618, plus strand): 5'-TTCCTCTCTTTCCCCTTCCTTAGCCAACACTGAAAACTGTAGTTACGAGTCAATGGGAGA[A>C]TCCAACAATGACCACTTCCAACACTTTCCACCTCCCCCTCCAATCTTGGAGACAAGTTCC-3'
Protein context (NP_001159580.1, residues 543-563): TENCSYESMG[Glu553Asp]SNNDHFQHFP

ClinVar aggregate classification (germline): Uncertain significance (1 of 4 stars; one submission).

Submission:

Ambry Genetics
Classification: Uncertain significance. Last evaluated: 2024-11-12. Review status: criteria provided, single submitter. Criteria: Ambry Variant Classification Scheme 2023. Collection method: clinical testing. Allele origin: germline.
Comment: The p.E553D variant (also known as c.1659A>C), located in coding exon 9 of the PALLD gene, results from an A to C substitution at nucleotide position 1659. The glutamic acid at codon 553 is replaced by aspartic acid, an amino acid with highly similar properties. This amino acid position is conserved. In addition, this alteration is predicted to be tolerated by in silico analysis. Based on the available evidence, the clinical significance of this variant remains unclear.